The following is an entry in ClinVar:

ClinVar aggregate classification (germline): Uncertain significance. Review status: criteria provided, multiple submitters, no conflicts (2 of 4 stars). 2 submissions from 2 submitters: Uncertain significance (2). Last evaluated 2022-04-06.

gnomAD v4.1: 26 of 1,564,066 alleles (0.0017%); highest among the groups gnomAD compares: African/African-American, 0.0027%; no homozygotes.

Submissions (2):

Labcorp Genetics (formerly Invitae), Labcorp
Classification: Uncertain significance. Last evaluated: 2022-04-06. Review status: criteria provided, single submitter. Criteria: Invitae Variant Classification Sherloc (09022015). Collection method: clinical testing. Allele origin: germline.
Comment: In summary, the available evidence is currently insufficient to determine the role of this variant in disease. Therefore, it has been classified as a Variant of Uncertain Significance. Algorithms developed to predict the effect of missense changes on protein structure and function (SIFT, PolyPhen-2, Align-GVGD) all suggest that this variant is likely to be disruptive. ClinVar contains an entry for this variant (Variation ID: 1053456). This missense change has been observed in individual(s) with clinical features of RIMS1-related conditions (Invitae). The frequency data for this variant in the population databases is considered unreliable, as metrics indicate poor data quality at this position in the gnomAD database. This sequence change replaces arginine, which is basic and polar, with histidine, which is basic and polar, at codon 1266 of the RIMS1 protein (p.Arg1266His).

Blueprint Genetics
Classification: Uncertain significance. Last evaluated: 2020-07-09. Review status: criteria provided, single submitter. Criteria: ACMG Guidelines, 2015. Collection method: clinical testing. Allele origin: germline.

NM_014989.7(RIMS1):c.3797G>A (p.Arg1266His)

Gene: RIMS1 (regulating synaptic membrane exocytosis 1; plus strand). Cytogenetic location: 6q13.
Variant type: single nucleotide variant.
Coding change: c.3797G>A on transcript NM_014989.7 (MANE Select); coding-DNA position 3797, G replaced by A.
Protein change: p.Arg1266His; replaces arginine 1266 with histidine.
Molecular consequence: missense variant.
Genome position (GRCh38, 1-based): chr6:72,291,993, G>A. VCF-style: chr6-72291993-G-A. GRCh37 (hg19) VCF-style: chr6-73001696-G-A.
Other names: c.1757G>A, p.Arg586His (NM_001168407.2, NM_001350422.2); c.1688G>A, p.Arg563His (NM_001168408.2, NM_001350414.2, NM_001350430.2 and 2 more transcripts); c.1517G>A, p.Arg506His (NM_001168409.2, NM_001350469.2); c.1715G>A, p.Arg572His (NM_001168410.2); c.1841G>A, p.Arg614His (NM_001350415.2, NM_001350445.2); c.1760G>A, p.Arg587His (NM_001350416.2, NM_001350417.2, NM_001350448.2); c.1763G>A, p.Arg588His (NM_001350418.2); c.1532G>A, p.Arg511His (NM_001350419.2, NM_001350423.2, NM_001350444.2); and 31 more; short protein forms R569H, R572H, R574H, R586H, R587H, R588H, R589H, R601H.
Identifiers: ClinVar variation 1053456 (VCV001053456.10), dbSNP rs373941007, ClinGen allele CA140897766.